The following is an entry in ClinVar:

ClinVar aggregate classification (germline): Uncertain significance. Review status: criteria provided, multiple submitters, no conflicts (2 of 4 stars). 3 submissions from 3 submitters: Uncertain significance (3). Last evaluated 2026-09-24.

Conditions:
Diamond-Blackfan anemia. Also called: Blackfan Diamond syndrome; Aregenerative anemia chronic congenital; Red cell aplasia, pure hereditary; Congenital hypoplastic anemia; Aase syndrome. Identifiers: Orphanet 124, MedGen C1260899, MeSH D029503, MONDO:0015253, HP:0004810.
GATA binding protein 1 related thrombocytopenia with dyserythropoiesis. Also called: GATA1-Related Cytopenia; GATA1-Related X-Linked Cytopenia. Identifiers: MedGen C1845837, MONDO:0100089.
GATA1-related disorder. Also called: GATA1-related condition.

gnomAD v4.1: 8 of 1,206,315 alleles (0.00066%); highest among the groups gnomAD compares: Non-Finnish European, 0.0009%; no homozygotes.

Submissions (3):

PreventionGenetics, part of Exact Sciences
Classification: Uncertain significance for GATA1-related condition. Last evaluated: 2026-09-24. Review status: criteria provided, single submitter. Criteria: ACMG Guidelines, 2015. Collection method: clinical testing. Allele origin: germline.
Comment: The GATA1 c.184T>G variant is predicted to result in the amino acid substitution p.Tyr62Asp. To our knowledge, this variant has not been reported in the literature. This variant is absent in gnomAD v2; however, in gnomAD v4 (available only on GRCh38), this variant is present in 0.000896% of alleles in the European (non-Finnish) subpopulation, including 1 hemizygote. This population data is not consistent with this variant being a primary cause of disease. Although we suspect that this variant may be benign, at this time, the clinical significance of this variant is uncertain due to the absence of conclusive functional and genetic evidence.

Labcorp Genetics (formerly Invitae), Labcorp
Classification: Uncertain significance for GATA binding protein 1 related thrombocytopenia with dyserythropoiesis; Diamond-Blackfan anemia. Last evaluated: 2025-11-27. Review status: criteria provided, single submitter. Criteria: Invitae Variant Classification Sherloc (09022015). Collection method: clinical testing. Allele origin: germline.
Comment: This sequence change replaces tyrosine, which is neutral and polar, with aspartic acid, which is acidic and polar, at codon 62 of the GATA1 protein (p.Tyr62Asp). This variant is not present in population databases (gnomAD no frequency). This variant has not been reported in the literature in individuals affected with GATA1-related conditions. ClinVar contains an entry for this variant (Variation ID: 3380742). Invitae Evidence Modeling of protein sequence and biophysical properties (such as structural, functional, and spatial information, amino acid conservation, physicochemical variation, residue mobility, and thermodynamic stability) indicates that this missense variant is not expected to disrupt GATA1 protein function with a negative predictive value of 95%. In summary, the available evidence is currently insufficient to determine the role of this variant in disease. Therefore, it has been classified as a Variant of Uncertain Significance.

Mayo Clinic Laboratories, Mayo Clinic
Classification: Uncertain significance. Last evaluated: 2024-06-11. Review status: criteria provided, single submitter. Criteria: ACMG Guidelines, 2015. Collection method: clinical testing. Allele origin: germline. Observed: 1 variant allele.
Comment: PM2_moderate

NM_002049.4(GATA1):c.184T>G (p.Tyr62Asp)

Gene: GATA1 (GATA binding protein 1; plus strand). Cytogenetic location: Xp11.23.
Variant type: single nucleotide variant.
Coding change: c.184T>G on transcript NM_002049.4 (MANE Select); coding-DNA position 184, T replaced by G.
Protein change: p.Tyr62Asp; replaces tyrosine 62 with aspartic acid.
Molecular consequence: missense variant.
Genome position (GRCh38, 1-based): chrX:48,791,293, T>G. VCF-style: chrX-48791293-T-G. GRCh37 (hg19) VCF-style: chrX-48649700-T-G.
Other names: p.Tyr62Asp; short protein forms Y62D.
Identifiers: ClinVar variation 3380742 (VCV003380742.3).